The following is an entry in ClinVar:

NM_015450.3(POT1):c.1459G>A (p.Asp487Asn)

Gene: POT1 (protection of telomeres 1; minus strand). Cytogenetic location: 7q31.33.
Variant type: single nucleotide variant.
Coding change: c.1459G>A on transcript NM_015450.3 (MANE Select); coding-DNA position 1459, G replaced by A.
Protein change: p.Asp487Asn; replaces aspartic acid 487 with asparagine.
Molecular consequence: missense variant. On other transcripts: non-coding transcript variant (3).
Genome position (GRCh38, 1-based): chr7:124,835,325, C>T on the plus strand (G>A on the coding strand, the complement: POT1 is on the minus strand). VCF-style: chr7-124835325-C-T. GRCh37 (hg19) VCF-style: chr7-124475379-C-T.
Other names: c.1459G>A (NM_015450.2); c.1066G>A, p.Asp356Asn (NM_001042594.2); short protein forms D356N, D487N.
Identifiers: ClinVar variation 1005760 (VCV001005760.12), dbSNP rs1405688297, ClinGen allele CA369065596.

ClinVar aggregate classification (germline): Conflicting classifications of pathogenicity. Review status: criteria provided, conflicting classifications (1 of 4 stars). 2 submissions from 2 submitters: Uncertain significance (1); Likely benign (1). Last evaluated 2024-08-21.

Conditions:
Tumor predisposition syndrome 3 (TPDS3). Also called: Glioma susceptibility 9; LONG TELOMERE SYNDROME, POT1-RELATED; POT1 Tumor Predisposition; Melanoma, cutaneous malignant, susceptibility to, 10. Identifiers: Orphanet 618, MedGen C4014476, MONDO:0014368, OMIM 615848.
Hereditary cancer-predisposing syndrome. Also called: Neoplastic Syndromes, Hereditary; Hereditary Cancer Syndrome; Hereditary neoplastic syndrome; Tumor predisposition. Identifiers: Orphanet 140162, MedGen C0027672, MeSH D009386, MONDO:0015356.

Allele frequency attached by ClinVar (database versions not stated): gnomAD exomes below 0.00001; gnomAD 0.00001; TOPMed 0.00001.
gnomAD v4.1: 3 of 1,613,874 alleles (0.00019%); highest among the groups gnomAD compares: Non-Finnish European, 0.00025%; no homozygotes.

Submissions (2):

Ambry Genetics
Classification: Likely benign for Hereditary cancer-predisposing syndrome. Last evaluated: 2024-08-21. Review status: criteria provided, single submitter. Criteria: Ambry Variant Classification Scheme 2023. Collection method: clinical testing. Allele origin: germline.

Labcorp Genetics (formerly Invitae), Labcorp
Classification: Uncertain significance for Tumor predisposition syndrome 3. Last evaluated: 2023-09-23. Review status: criteria provided, single submitter. Criteria: Invitae Variant Classification Sherloc (09022015). Collection method: clinical testing. Allele origin: germline.
Comment: This sequence change replaces aspartic acid, which is acidic and polar, with asparagine, which is neutral and polar, at codon 487 of the POT1 protein (p.Asp487Asn). This variant is not present in population databases (gnomAD no frequency). This variant has not been reported in the literature in individuals affected with POT1-related conditions. ClinVar contains an entry for this variant (Variation ID: 1005760). Advanced modeling of protein sequence and biophysical properties (such as structural, functional, and spatial information, amino acid conservation, physicochemical variation, residue mobility, and thermodynamic stability) performed at Invitae indicates that this missense variant is not expected to disrupt POT1 protein function. In summary, the available evidence is currently insufficient to determine the role of this variant in disease. Therefore, it has been classified as a Variant of Uncertain Significance.